The following is an entry in ClinVar:

NM_004991.4(MECOM):c.895G>T (p.Ala299Ser)

Gene: MECOM (MDS1 and EVI1 complex locus; minus strand). Cytogenetic location: 3q26.2.
Variant type: single nucleotide variant.
Coding change: c.895G>T on transcript NM_004991.4 (MANE Select); coding-DNA position 895, G replaced by T.
Protein change: p.Ala299Ser; replaces alanine 299 with serine.
Molecular consequence: missense variant.
Genome position (GRCh38, 1-based): chr3:169,122,663, C>A on the plus strand (G>T on the coding strand, the complement: MECOM is on the minus strand). VCF-style: chr3-169122663-C-A. GRCh37 (hg19) VCF-style: chr3-168840451-C-A.
Other names: c.331G>T, p.Ala111Ser (NM_001366470.2, NM_001366471.2, NM_001366472.2 and 9 more transcripts); c.895G>T, p.Ala299Ser (NM_001366473.2, NM_001366466.2); c.523G>T, p.Ala175Ser (NM_001105077.4); short protein forms A111S, A175S, A299S.
Identifiers: ClinVar variation 4859793 (VCV004859793.1).
Genomic context (GRCh38, chr3:169,122,663, plus strand): 5'-AGTGCTTTCCACTGTCATGTGACATCTGGTGGCGAATTAAATTGGACTTCCAGTTAAATG[C>A]CTTGGGACACTGATCACACTTGTATTCCCTCTCTTCAGTATGTGACAGCATGTGTTTCTC-3'
Protein context (NP_004982.2, residues 289-309): REYKCDQCPK[Ala299Ser]FNWKSNLIRH

ClinVar aggregate classification (germline): Uncertain significance (1 of 4 stars; one submission).

Conditions:
Inborn genetic diseases. Identifiers: MedGen C0950123, MeSH D030342.

Submission:

Ambry Genetics
Classification: Uncertain significance for Inborn genetic diseases. Last evaluated: 2026-05-20. Review status: criteria provided, single submitter. Criteria: Ambry Variant Classification Scheme 2023. Collection method: clinical testing. Allele origin: germline.
Comment: The p.A299S variant (also known as c.895G>T), located in coding exon 6 of the MECOM gene, results from a G to T substitution at nucleotide position 895. The alanine at codon 299 is replaced by serine, an amino acid with similar properties. This amino acid position is conserved. In addition, this alteration is predicted to be tolerated by in silico analysis. Based on the available evidence, the clinical significance of this variant remains unclear.